The following is an entry in ClinVar:

NM_001009944.3(PKD1):c.5753C>T (p.Thr1918Ile)

Gene: PKD1 (polycystin 1, transient receptor potential channel interacting; minus strand). Cytogenetic location: 16p13.3.
Variant type: single nucleotide variant.
Coding change: c.5753C>T on transcript NM_001009944.3 (MANE Select); coding-DNA position 5753, C replaced by T.
Protein change: p.Thr1918Ile; replaces threonine 1918 with isoleucine.
Molecular consequence: missense variant.
Genome position (GRCh38, 1-based): chr16:2,109,414, G>A on the plus strand (C>T on the coding strand, the complement: PKD1 is on the minus strand). VCF-style: chr16-2109414-G-A. GRCh37 (hg19) VCF-style: chr16-2159415-G-A.
Other names: c.5753C>T, p.Thr1918Ile (NM_000296.4); short protein forms T1918I.
Identifiers: ClinVar variation 433968 (VCV000433968.3), dbSNP rs878915702, ClinGen allele CA276781013.

ClinVar aggregate classification (germline): Uncertain significance (0 of 4 stars; one submission).

Conditions:
Polycystic kidney disease. Also called: Kidney, Polycystic; Polycystic kidney dysplasia. Identifiers: MedGen C0022680, MeSH D007690, MONDO:0020642, HP:0000113.

Allele frequency attached by ClinVar (database versions not stated): TOPMed below 0.00001.

Submission:

Department of Pathology and Laboratory Medicine, Sinai Health System
Classification: Uncertain significance for Polycystic Kidney disease. Review status: no assertion criteria provided. Collection method: clinical testing. Allele origin: unknown. Affected: yes. Study: The Canadian Open Genetics Repository (COGR).
Comment: The PKD1 p.Thr1918Ile variant was not identified in the literature nor was it identified in the 1000 Genomes Project, the NHLBI GO Exome Sequencing Project or in the Exome Aggregation Consortium database (Mar 14, 2016). The variant is not listed in the dbSNP database and no frequency information was provided, thus the prevalence of this variant in the general population could not be determined. Furthermore, the variant was not identified in the GeneInsight COGR, Clinvitae, ClinVar, MutDB, ADPKD Mutation, PKD1-LOVD, and PKD1-LOVD 3.0 databases. The p.Thr1918 residue is conserved in mammals and computational analyses (PolyPhen-2, SIFT, AlignGVGD, BLOSUM, MutationTaster) provide inconsistent predictions regarding the impact to the protein; this information is not very predictive of pathogenicity. The variant occurs outside of the splicing consensus sequence and in silico or computational prediction software programs (SpliceSiteFinder, MaxEntScan, NNSPLICE, GeneSplicer, HumanSpliceFinder) do not predict a difference in splicing. In summary, based on the above information, the clinical significance of this variant cannot be determined with certainty at this time. This variant is classified as a variant of uncertain significance.